The following is an entry in ClinVar:

ClinVar aggregate classification (germline): Uncertain significance. Review status: criteria provided, multiple submitters, no conflicts (2 of 4 stars). 2 submissions from 2 submitters: Uncertain significance (2). Last evaluated 2023-03-10.

Conditions:
Cardiovascular phenotype. Identifiers: MedGen CN230736.
Dilated cardiomyopathy 1O (CMD1O). Also called: CARDIOMYOPATHY, DILATED, WITH VENTRICULAR TACHYCARDIA. Identifiers: Orphanet 154, MedGen C1837839, MONDO:0012062, OMIM 608569.

Allele frequency attached by ClinVar (database versions not stated): gnomAD 0.00001; gnomAD exomes 0.00001; TOPMed 0.00001.
gnomAD v4.1: 12 of 1,613,386 alleles (0.00074%); highest among the groups gnomAD compares: Non-Finnish European, 0.001%; no homozygotes.

Submissions (2):

Ambry Genetics
Classification: Uncertain significance for Cardiovascular phenotype. Last evaluated: 2023-03-10. Review status: criteria provided, single submitter. Criteria: Ambry Variant Classification Scheme 2023. Collection method: clinical testing. Allele origin: germline.
Comment: The p.A78T variant (also known as c.232G>A), located in coding exon 2 of the ABCC9 gene, results from a G to A substitution at nucleotide position 232. The alanine at codon 78 is replaced by threonine, an amino acid with similar properties. This amino acid position is not well conserved in available vertebrate species. In addition, the in silico prediction for this alteration is inconclusive. Since supporting evidence is limited at this time, the clinical significance of this alteration remains unclear.

Labcorp Genetics (formerly Invitae), Labcorp
Classification: Uncertain significance for Dilated cardiomyopathy 1O. Last evaluated: 2022-11-14. Review status: criteria provided, single submitter. Criteria: Invitae Variant Classification Sherloc (09022015). Collection method: clinical testing. Allele origin: germline.
Comment: In summary, the available evidence is currently insufficient to determine the role of this variant in disease. Therefore, it has been classified as a Variant of Uncertain Significance. Advanced modeling of protein sequence and biophysical properties (such as structural, functional, and spatial information, amino acid conservation, physicochemical variation, residue mobility, and thermodynamic stability) performed at Invitae indicates that this missense variant is not expected to disrupt ABCC9 protein function. This variant has not been reported in the literature in individuals affected with ABCC9-related conditions. This variant is present in population databases (no rsID available, gnomAD 0.0009%). This sequence change replaces alanine, which is neutral and non-polar, with threonine, which is neutral and polar, at codon 78 of the ABCC9 protein (p.Ala78Thr).

NM_020297.4(ABCC9):c.232G>A (p.Ala78Thr)

Gene: ABCC9 (ATP binding cassette subfamily C member 9; minus strand). Cytogenetic location: 12p12.1.
Variant type: single nucleotide variant.
Coding change: c.232G>A on transcript NM_020297.4 (MANE Select); coding-DNA position 232, G replaced by A.
Protein change: p.Ala78Thr; replaces alanine 78 with threonine.
Molecular consequence: missense variant. On other transcripts: 5 prime UTR variant (1).
Genome position (GRCh38, 1-based): chr12:21,933,834, C>T on the plus strand (G>A on the coding strand, the complement: ABCC9 is on the minus strand). VCF-style: chr12-21933834-C-T. GRCh37 (hg19) VCF-style: chr12-22086768-C-T.
Other names: c.232G>A, p.Ala78Thr (NM_001377273.1, NM_005691.4); c.-223G>A (NM_001377274.1); short protein forms A78T.
Identifiers: ClinVar variation 2176065 (VCV002176065.6), dbSNP rs1483062806, ClinGen allele CA384131499.
Genomic context (GRCh38, chr12:21,933,834, plus strand): 5'-TCACTTACGAGTCTGAAACAATGCCTTCTGCTATTTCACAGACATGCACAAACAGGAGAG[C>T]GAATGTAAGAATCCATCTCAGGTTATGTCCCGGAAAATGAAGCCATGTGTTGTGGTGAAT-3'
Protein context (NP_064693.2, residues 68-88): GHNLRWILTF[Ala78Thr]LLFVHVCEIA